The following is an entry in ClinVar:

NM_000018.4(ACADVL):c.538del (p.Ala180fs)

Gene: ACADVL (acyl-CoA dehydrogenase very long chain; plus strand). Cytogenetic location: 17p13.1.
Variant type: Deletion.
Coding change: c.538del on transcript NM_000018.4 (MANE Select); coding-DNA position 538, one base deleted (G; older notation c.538delG).
Protein change: p.Ala180fs; shifts the reading frame from alanine 180.
Molecular consequence: frameshift variant.
Genome position (GRCh38, 1-based): chr17:7,221,598, G deleted; the last of 5 consecutive G bases (chr17:7,221,594-7,221,598); deleting any one gives the same sequence. VCF-style (leftmost placement, unchanged base first): chr17-7221593-TG-T. GRCh37 (hg19) VCF-style: chr17-7124912-TG-T.
Other names: c.472del, p.Ala158fs (NM_001033859.3); c.607del, p.Ala203fs (NM_001270447.2); c.310del, p.Ala104fs (NM_001270448.2); short protein forms A203fs, A104fs, A180fs, A158fs.
Identifiers: ClinVar variation 5005804 (VCV005005804.2).

ClinVar aggregate classification (germline): Likely pathogenic (1 of 4 stars; one submission).

Conditions:
Very long chain acyl-CoA dehydrogenase deficiency (ACADVLD). Also called: Very Long-Chain Acyl-Coenzyme A Dehydrogenase Deficiency; VLCAD Deficiency. Identifiers: Orphanet 26793, MedGen C3887523, MONDO:0008723, OMIM 201475.

Submission:

Juno Genomics, Hangzhou Juno Genomics, Inc
Classification: Likely pathogenic for Very long chain acyl-CoA dehydrogenase deficiency. Review status: criteria provided, single submitter. Criteria: ACMG Guidelines, 2015. Collection method: clinical testing. Allele origin: germline.
Comment: Null variant in a gene where loss of function (LOF) is a known mechanism of disease.;Absent from controls (or at extremely low frequency if recessive) in Genome Aggregation Database.